The following is an entry in ClinVar:

NM_003052.5(SLC34A1):c.654G>A (p.Ala218=)

Gene: SLC34A1 (solute carrier family 34 member 1; plus strand). Cytogenetic location: 5q35.3.
Variant type: single nucleotide variant.
Coding change: c.654G>A on transcript NM_003052.5 (MANE Select); coding-DNA position 654, G replaced by A.
Protein change: p.Ala218=; no amino-acid change (alanine 218 retained).
Molecular consequence: synonymous variant.
Genome position (GRCh38, 1-based): chr5:177,388,003, G>A. VCF-style: chr5-177388003-G-A. GRCh37 (hg19) VCF-style: chr5-176815004-G-A.
Other names: c.654G>A, p.Ala218= (NM_001167579.2).
Identifiers: ClinVar variation 352963 (VCV000352963.16), dbSNP rs150592440, ClinGen allele CA3580497.

ClinVar aggregate classification (germline): Likely benign. Review status: criteria provided, multiple submitters, no conflicts (2 of 4 stars). 6 submissions from 6 submitters: Likely benign (4). 2 of the submissions do not count toward it. Last evaluated 2026-01-12.

Conditions:
Hypercalcemia, infantile, 2 (HCINF2). Identifiers: Orphanet 300547, MedGen C4310473, MONDO:0014851, OMIM 616963.
SLC34A1-related disorder. Also called: SLC34A1-related disorders; SLC34A1-related condition.
Hypophosphatemic nephrolithiasis/osteoporosis 1. Identifiers: Orphanet 244305, MedGen C2676786, MONDO:0012850, OMIM 612286.

Allele frequency attached by ClinVar (database versions not stated): 1000 Genomes Project 30x 0.00016; 1000 Genomes Project 0.00020; ESP Exome Variant Server 0.00023; TOPMed 0.00052.

Submissions (6):

Labcorp Genetics (formerly Invitae), Labcorp
Classification: Likely benign. Last evaluated: 2026-01-12. Review status: criteria provided, single submitter. Criteria: Invitae Variant Classification Sherloc (09022015). Collection method: clinical testing. Allele origin: germline.

Laboratory of Genetics, Children's Clinical University Hospital Latvia
Classification: Likely benign. Last evaluated: 2025-02-16. Review status: criteria provided, single submitter. Criteria: ACMG Guidelines, 2015. Collection method: clinical testing. Allele origin: germline. Affected: yes.

Blueprint Genetics
Classification: Likely benign. Last evaluated: 2024-11-25. Review status: criteria provided, single submitter. Criteria: ACMG Guidelines, 2015. Collection method: clinical testing. Allele origin: germline.

Illumina Laboratory Services, Illumina
Classification: Likely benign for Hypophosphatemic nephrolithiasis/osteoporosis 1. Last evaluated: 2017-04-27. Review status: criteria provided, single submitter. Criteria: ICSL Variant Classification Criteria 13 December 2019. Collection method: clinical testing. Allele origin: germline.
Comment: This variant was observed as part of a predisposition screen in an ostensibly healthy population. A literature search was performed for the gene, cDNA change, and amino acid change (where applicable). No publications were found based on this search. Allele frequency data from public databases allowed determination this variant is unlikely to cause disease. Therefore, this variant is classified as likely benign.

PreventionGenetics, part of Exact Sciences
Classification: Likely benign for SLC34A1-related condition. Last evaluated: 2024-07-10. Review status: no assertion criteria provided. Collection method: clinical testing. Allele origin: germline. Not counted in ClinVar's aggregate classification.
Comment: This variant is classified as likely benign based on ACMG/AMP sequence variant interpretation guidelines (Richards et al. 2015 PMID: 25741868, with internal and published modifications).

Bioscientia Institut fuer Medizinische Diagnostik GmbH, Sonic Healthcare
Classification: Pathogenic for Hypercalcemia, infantile, 2. Last evaluated: 2017-04-20. Review status: no assertion criteria provided. Collection method: clinical testing. Allele origin: germline. Affected: yes. Not counted in ClinVar's aggregate classification.